The following is an entry in ClinVar:

NM_024494.3(WNT2B):c.914C>T (p.Ser305Phe)

Gene: WNT2B (Wnt family member 2B; plus strand). Cytogenetic location: 1p13.2.
Variant type: single nucleotide variant.
Coding change: c.914C>T on transcript NM_024494.3 (MANE Select); coding-DNA position 914, C replaced by T.
Protein change: p.Ser305Phe; replaces serine 305 with phenylalanine.
Molecular consequence: missense variant.
Genome position (GRCh38, 1-based): chr1:112,517,353, C>T. VCF-style: chr1-112517353-C-T. GRCh37 (hg19) VCF-style: chr1-113059975-C-T.
Other names: c.638C>T, p.Ser213Phe (NM_001291880.1); c.857C>T, p.Ser286Phe (NM_004185.4); short protein forms S286F, S305F, S213F.
Identifiers: ClinVar variation 2693015 (VCV002693015.3), dbSNP rs2526507685, ClinGen allele CA341654999.

ClinVar aggregate classification (germline): Uncertain significance (1 of 4 stars; one submission).

Submission:

Labcorp Genetics (formerly Invitae), Labcorp
Classification: Uncertain significance. Last evaluated: 2023-11-14. Review status: criteria provided, single submitter. Criteria: Invitae Variant Classification Sherloc (09022015). Collection method: clinical testing. Allele origin: germline.
Comment: This sequence change replaces serine, which is neutral and polar, with phenylalanine, which is neutral and non-polar, at codon 305 of the WNT2B protein (p.Ser305Phe). This variant is not present in population databases (gnomAD no frequency). This variant has not been reported in the literature in individuals affected with WNT2B-related conditions. An algorithm developed to predict the effect of missense changes on protein structure and function (PolyPhen-2) suggests that this variant is likely to be disruptive. In summary, the available evidence is currently insufficient to determine the role of this variant in disease. Therefore, it has been classified as a Variant of Uncertain Significance.